The following is an entry in ClinVar:

ClinVar aggregate classification (germline): Uncertain significance (1 of 4 stars; one submission).

Submission:

GeneDx
Classification: Uncertain significance. Last evaluated: 2023-07-12. Review status: criteria provided, single submitter. Criteria: GeneDx Variant Classification Process June 2021. Collection method: clinical testing. Allele origin: germline. Affected: yes.
Comment: Has not been previously published as pathogenic or benign to our knowledge; In silico analysis supports that this missense variant has a deleterious effect on protein structure/function

NM_001170535.3(ATAD3A):c.683C>T (p.Thr228Met)

Gene: ATAD3A (ATPase family AAA domain containing 3A; plus strand). Cytogenetic location: 1p36.33.
Variant type: single nucleotide variant.
Coding change: c.683C>T on transcript NM_001170535.3 (MANE Select); coding-DNA position 683, C replaced by T.
Protein change: p.Thr228Met; replaces threonine 228 with methionine.
Molecular consequence: missense variant.
Genome position (GRCh38, 1-based): chr1:1,520,550, C>T. VCF-style: chr1-1520550-C-T. GRCh37 (hg19) VCF-style: chr1-1455930-C-T.
Other names: c.446C>T, p.Thr149Met (NM_001170536.3); c.827C>T, p.Thr276Met (NM_018188.5); short protein forms T149M, T228M, T276M.
Identifiers: ClinVar variation 3360722 (VCV003360722.1).